The following is an entry in ClinVar:

NM_001715.3(BLK):c.1030-38C>T

Gene: BLK (BLK proto-oncogene, Src family tyrosine kinase). Cytogenetic location: 8p23.1.
Variant type: single nucleotide variant.
Coding change: c.1030-38C>T on transcript NM_001715.3 (MANE Select); 38 bases into the intron before coding-DNA position 1030, C replaced by T.
Molecular consequence: intron variant.
Genome position (GRCh38, 1-based): chr8:11,561,264, C>T. VCF-style: chr8-11561264-C-T. GRCh37 (hg19) VCF-style: chr8-11418773-C-T.
Other names: c.817-38C>T (NM_001330465.2).
Identifiers: ClinVar variation 1192426 (VCV001192426.6), dbSNP rs4841561, ClinGen allele CA4630337.
Genomic context (GRCh38, chr8:11,561,264, plus strand): 5'-CCCAGCAGCCCACAGGGGCTGTGCGGGGGACACAGTGTGGGCTCGGTCTTGGCGTGGAGG[C>T]CCCCAGGCTGTCCTTCACCATGTGCCTGTTCCCTCAGATTGCTGAAGGGATGGCATACAT-3'

ClinVar aggregate classification (germline): Benign. Review status: criteria provided, multiple submitters, no conflicts (2 of 4 stars). 4 submissions from 4 submitters: Benign (4). Last evaluated 2021-07-14.

Conditions:
Systemic lupus erythematosus (SLE). Identifiers: Orphanet 536, MedGen C0024141, MONDO:0007915, OMIM 152700, HP:0002725.
Maturity-onset diabetes of the young type 11. Identifiers: Orphanet 552, MedGen C3150618, MONDO:0013242, OMIM 613375.

Allele frequency attached by ClinVar (database versions not stated): ESP Exome Variant Server 0.36027; gnomAD 0.38972 and 0.39823; TOPMed 0.41032; gnomAD exomes 0.44367; ExAC 0.48035; 1000 Genomes Project 30x 0.49781; 1000 Genomes Project 0.50399.
gnomAD v4.1: 614,965 of 1,599,138 alleles (38%); highest among the groups gnomAD compares: East Asian, 92%; 127,054 homozygotes.

Submissions (4):

Genome-Nilou Lab
Classification: Benign for Maturity-onset diabetes of the young type 11. Last evaluated: 2021-07-14. Review status: criteria provided, single submitter. Criteria: ACMG Guidelines, 2015. Collection method: clinical testing. Allele origin: germline. Affected: no.

GeneDx
Classification: Benign. Last evaluated: 2018-08-09. Review status: criteria provided, single submitter. Criteria: GeneDx Variant Classification Process June 2021. Collection method: clinical testing. Allele origin: germline. Affected: yes.

Breakthrough Genomics
Classification: Benign. Review status: criteria provided, single submitter. Criteria: ACMG Guidelines, 2015. Collection method: not provided. Allele origin: germline. Inheritance: Autosomal dominant inheritance. Affected: yes.

Clinical Genomics, Uppaluri K&H Personalized Medicine Clinic
Classification: Benign for Systemic lupus erythematosus. Review status: criteria provided, single submitter. Criteria: K & H Uppaluri Personalized Medicine Clinic Variant Classification & Assertion Criteria_Updated V.1. Collection method: research. Allele origin: unknown.
Comment: BLK gene is associated with Systemic lupus erythematosus, sjogren's syndrome and other systemic inflammatory conditions. However no sufficient evidence is found to ascertain the role of this particular variant rs4841561, yet.

Literature cited by the submitters: PubMed 32313195 (cited by Clinical Genomics, Uppaluri K&H Personalized Medicine Clinic); PubMed 19667185 (cited by Clinical Genomics, Uppaluri K&H Personalized Medicine Clinic); PubMed 18204098 (cited by Clinical Genomics, Uppaluri K&H Personalized Medicine Clinic); PubMed 24023612 (cited by Clinical Genomics, Uppaluri K&H Personalized Medicine Clinic); PubMed 31670388 (cited by Clinical Genomics, Uppaluri K&H Personalized Medicine Clinic).